The following is an entry in ClinVar:

NM_013352.4(DSE):c.718A>G (p.Met240Val)

Gene: DSE (dermatan sulfate epimerase; plus strand). Cytogenetic location: 6q22.1.
Variant type: single nucleotide variant.
Coding change: c.718A>G on transcript NM_013352.4 (MANE Select); coding-DNA position 718, A replaced by G.
Protein change: p.Met240Val; replaces methionine 240 with valine.
Molecular consequence: missense variant. On other transcripts: 5 prime UTR variant (1), non-coding transcript variant (1), intron variant (2).
Genome position (GRCh38, 1-based): chr6:116,431,001, A>G. VCF-style: chr6-116431001-A-G. GRCh37 (hg19) VCF-style: chr6-116752164-A-G.
Other names: c.718A>G, p.Met240Val (NM_001080976.3, NM_001322937.2, NM_001322938.2 and 2 more transcripts); c.775A>G, p.Met259Val (NM_001322939.2); c.157A>G, p.Met53Val (NM_001322940.2, NM_001322941.2); c.-146A>G (NM_001374520.1); c.83+4174A>G (NM_001374521.1); c.670+4174A>G (NM_001322943.2); short protein forms M240V, M259V, M53V.
Identifiers: ClinVar variation 2023687 (VCV002023687.4), dbSNP rs2482270572, ClinGen allele CA365391924.

ClinVar aggregate classification (germline): Uncertain significance (1 of 4 stars; one submission).

Conditions:
Ehlers-Danlos syndrome, musculocontractural type 2 (EDSMC2). Identifiers: Orphanet 2953, MedGen C3809845, MONDO:0014236, OMIM 615539.

Allele frequency attached by ClinVar (database versions not stated): gnomAD exomes below 0.00001.
gnomAD v4.1: 4 of 1,614,164 alleles (0.00025%); highest among the groups gnomAD compares: Non-Finnish European, 0.00034%; no homozygotes.

Submission:

Labcorp Genetics (formerly Invitae), Labcorp
Classification: Uncertain significance for Ehlers-Danlos syndrome, musculocontractural type 2. Last evaluated: 2022-07-30. Review status: criteria provided, single submitter. Criteria: Invitae Variant Classification Sherloc (09022015). Collection method: clinical testing. Allele origin: germline.
Comment: This sequence change replaces methionine, which is neutral and non-polar, with valine, which is neutral and non-polar, at codon 240 of the DSE protein (p.Met240Val). This variant is not present in population databases (gnomAD no frequency). This variant has not been reported in the literature in individuals affected with DSE-related conditions. Algorithms developed to predict the effect of missense changes on protein structure and function are either unavailable or do not agree on the potential impact of this missense change (SIFT: "Not Available"; PolyPhen-2: "Probably Damaging"; Align-GVGD: "Not Available"). In summary, the available evidence is currently insufficient to determine the role of this variant in disease. Therefore, it has been classified as a Variant of Uncertain Significance.